The following is an entry in ClinVar:

ClinVar aggregate classification (germline): Uncertain significance. Review status: criteria provided, multiple submitters, no conflicts (2 of 4 stars). 2 submissions from 2 submitters: Uncertain significance (2). Last evaluated 2024-04-23.

Conditions:
Kabuki syndrome 1 (KABUK1). Also called: KMT2D-Related Kabuki Syndrome. Identifiers: Orphanet 2322, MedGen CN030661, MONDO:0007843, OMIM 147920.
Choanal atresia-athelia-hypothyroidism-delayed puberty-short stature syndrome (BCAHH). Also called: BRANCHIAL ARCH ABNORMALITIES, CHOANAL ATRESIA, ATHELIA, HEARING LOSS, AND HYPOTHYROIDISM SYNDROME. Identifiers: Orphanet 589856, MedGen C5680310, MONDO:0035651, OMIM 620186.

gnomAD v4.1: 1 of 1,518,118 alleles (0.000066%); no homozygotes.

Submissions (2):

Fulgent Genetics
Classification: Uncertain significance for Kabuki syndrome 1; Choanal atresia-athelia-hypothyroidism-delayed puberty-short stature syndrome. Last evaluated: 2024-04-23. Review status: criteria provided, single submitter. Criteria: ACMG Guidelines, 2015. Collection method: clinical testing. Allele origin: germline.

GeneDx
Classification: Uncertain significance. Last evaluated: 2023-12-14. Review status: criteria provided, single submitter. Criteria: GeneDx Variant Classification Process June 2021. Collection method: clinical testing. Allele origin: germline. Affected: yes.
Comment: Not observed at significant frequency in large population cohorts (gnomAD); In silico analysis supports that this missense variant does not alter protein structure/function; Has not been previously published as pathogenic or benign to our knowledge

NM_003482.4(KMT2D):c.6589C>A (p.Pro2197Thr)

Gene: KMT2D (lysine methyltransferase 2D; minus strand). Cytogenetic location: 12q13.12.
Variant type: single nucleotide variant.
Coding change: c.6589C>A on transcript NM_003482.4 (MANE Select); coding-DNA position 6589, C replaced by A.
Protein change: p.Pro2197Thr; replaces proline 2197 with threonine.
Molecular consequence: missense variant.
Genome position (GRCh38, 1-based): chr12:49,041,181, G>T on the plus strand (C>A on the coding strand, the complement: KMT2D is on the minus strand). VCF-style: chr12-49041181-G-T. GRCh37 (hg19) VCF-style: chr12-49434964-G-T.
Other names: short protein forms P2197T.
Identifiers: ClinVar variation 3365812 (VCV003365812.2).